The following is an entry in ClinVar:

ClinVar aggregate classification (germline): Uncertain significance (1 of 4 stars; one submission).

gnomAD v4.1: 3 of 1,611,886 alleles (0.00019%); highest among the groups gnomAD compares: Non-Finnish European, 0.00025%; no homozygotes.

Submission:

Labcorp Genetics (formerly Invitae), Labcorp
Classification: Uncertain significance. Last evaluated: 2023-09-11. Review status: criteria provided, single submitter. Criteria: Invitae Variant Classification Sherloc (09022015). Collection method: clinical testing. Allele origin: germline.
Comment: In summary, the available evidence is currently insufficient to determine the role of this variant in disease. Therefore, it has been classified as a Variant of Uncertain Significance. An algorithm developed to predict the effect of missense changes on protein structure and function (PolyPhen-2) suggests that this variant is likely to be tolerated. This variant has not been reported in the literature in individuals affected with SLIT2-related conditions. This variant is not present in population databases (gnomAD no frequency). This sequence change replaces serine, which is neutral and polar, with arginine, which is basic and polar, at codon 607 of the SLIT2 protein (p.Ser607Arg).

NM_004787.4(SLIT2):c.1819A>C (p.Ser607Arg)

Gene: SLIT2 (slit guidance ligand 2; plus strand). Cytogenetic location: 4p15.31.
Variant type: single nucleotide variant.
Coding change: c.1819A>C on transcript NM_004787.4 (MANE Select); coding-DNA position 1819, A replaced by C.
Protein change: p.Ser607Arg; replaces serine 607 with arginine.
Molecular consequence: missense variant.
Genome position (GRCh38, 1-based): chr4:20,533,702, A>C. VCF-style: chr4-20533702-A-C. GRCh37 (hg19) VCF-style: chr4-20535325-A-C.
Other names: c.1807A>C, p.Ser603Arg (NM_001289135.3); c.1795A>C, p.Ser599Arg (NM_001289136.3); short protein forms S599R, S603R, S607R.
Identifiers: ClinVar variation 2979079 (VCV002979079.3), dbSNP rs1722006924, ClinGen allele CA356465605.